The following is an entry in ClinVar:

ClinVar aggregate classification (germline): Benign/Likely benign. Review status: criteria provided, multiple submitters, no conflicts (2 of 4 stars). 5 submissions from 5 submitters: Benign (2); Likely benign (3). Last evaluated 2025-01-09.

Conditions:
Primary ciliary dyskinesia 12. Also called: CILIARY DYSKINESIA, PRIMARY, 12, WITHOUT SITUS INVERSUS. Identifiers: Orphanet 244, MedGen C2675228, MONDO:0012979, OMIM 612650.

Allele frequency attached by ClinVar (database versions not stated): 1000 Genomes Project 30x 0.01562; 1000 Genomes Project 0.01597; gnomAD 0.01763 and 0.01819; TOPMed 0.01768; gnomAD exomes 0.01926; ExAC 0.02165.
gnomAD v4.1: 38,624 of 1,522,248 alleles (2.5%); highest among the groups gnomAD compares: Non-Finnish European, 2.9%; 584 homozygotes.

Submissions (5):

ARUP Laboratories, Molecular Genetics and Genomics, ARUP Laboratories
Classification: Benign for Primary ciliary dyskinesia 12. Last evaluated: 2025-01-09. Review status: criteria provided, single submitter. Criteria: ARUP Molecular Germline Variant Investigation Process 2024. Collection method: clinical testing. Allele origin: germline.

Blueprint Genetics
Classification: Likely benign. Last evaluated: 2024-11-25. Review status: criteria provided, single submitter. Criteria: ACMG Guidelines, 2015. Collection method: clinical testing. Allele origin: germline.

GeneDx
Classification: Likely benign. Last evaluated: 2019-06-06. Review status: criteria provided, single submitter. Criteria: GeneDx Variant Classification Process June 2021. Collection method: clinical testing. Allele origin: germline. Affected: yes.

Laboratory for Molecular Medicine, Mass General Brigham Personalized Medicine
Classification: Benign. Last evaluated: 2013-02-21. Review status: criteria provided, single submitter. Criteria: LMM Criteria. Collection method: clinical testing. Allele origin: germline. Observed: 11 variant alleles.
Comment: 722+10C>T in intron 5 of RSPH9: This variant is not expected to have clinical si gnificance because it is not located within the conserved splice consensus seque nce. It has been identified in 4.5% (8/178) of English and Scottish chromosomes from a broad population by the 1000 Genomes Project (/projects/SNP; dbSNP rs41281830).

Breakthrough Genomics
Classification: Likely benign. Review status: criteria provided, single submitter. Criteria: ACMG Guidelines, 2015. Collection method: not provided. Allele origin: germline. Inheritance: Autosomal recessive inheritance. Affected: yes.

NM_152732.5(RSPH9):c.671-4259C>T

Gene: RSPH9 (radial spoke head component 9; plus strand). Cytogenetic location: 6p21.1.
Variant type: single nucleotide variant.
Coding change: c.671-4259C>T on transcript NM_152732.5 (MANE Select); 4259 bases into the intron before coding-DNA position 671, C replaced by T.
Molecular consequence: intron variant.
Genome position (GRCh38, 1-based): chr6:43,666,530, C>T. VCF-style: chr6-43666530-C-T. GRCh37 (hg19) VCF-style: chr6-43634267-C-T.
Other names: c.767+10C>T (NM_001424119.1); c.722+10C>T (NM_001193341.2); c.626-4259C>T (NM_001424120.1).
Identifiers: ClinVar variation 165064 (VCV000165064.23), dbSNP rs41281830, ClinGen allele CA177735.